The following is an entry in ClinVar:

NM_001283009.2(RTEL1):c.2326G>C (p.Glu776Gln)

Genes: RTEL1 (regulator of telomere elongation helicase 1; plus strand), RTEL1-TNFRSF6B (RTEL1-TNFRSF6B readthrough (NMD candidate); plus strand). Cytogenetic location: 20q13.33.
Variant type: single nucleotide variant.
Coding change: c.2326G>C on transcript NM_001283009.2 (MANE Select); coding-DNA position 2326, G replaced by C.
Protein change: p.Glu776Gln; replaces glutamic acid 776 with glutamine.
Molecular consequence: missense variant. On other transcripts: non-coding transcript variant (1).
Genome position (GRCh38, 1-based): chr20:63,690,354, G>C. VCF-style: chr20-63690354-G-C. GRCh37 (hg19) VCF-style: chr20-62321707-G-C.
Other names: c.1657G>C, p.Glu553Gln (NM_001283010.1); c.2326G>C, p.Glu776Gln (NM_016434.4); c.2398G>C, p.Glu800Gln (NM_032957.5); short protein forms E553Q, E800Q, E776Q.
Identifiers: ClinVar variation 1354552 (VCV001354552.5), dbSNP rs746677388, ClinGen allele CA317516044.

ClinVar aggregate classification (germline): Uncertain significance. Review status: criteria provided, multiple submitters, no conflicts (2 of 4 stars). 3 submissions from 3 submitters: Uncertain significance (3). Last evaluated 2024-11-21.

Conditions:
Inborn genetic diseases. Identifiers: MedGen C0950123, MeSH D030342.
Pulmonary fibrosis and/or bone marrow failure, Telomere-related, 3. Also called: PULMONARY FIBROSIS AND/OR BONE MARROW FAILURE SYNDROME, TELOMERE-RELATED, 3. Identifiers: Orphanet 2032, MedGen C4225346, MONDO:0014613, OMIM 616373.
Dyskeratosis congenita, autosomal recessive 5 (DKCB5). Identifiers: MedGen C3554656, MONDO:0014076, OMIM 615190.

gnomAD v4.1: 1 of 1,611,790 alleles (0.000062%); no homozygotes.

Submissions (3):

Ambry Genetics
Classification: Uncertain significance for Inborn genetic diseases. Last evaluated: 2024-11-21. Review status: criteria provided, single submitter. Criteria: Ambry Variant Classification Scheme 2023. Collection method: clinical testing. Allele origin: germline.
Comment: The p.E776Q variant (also known as c.2326G>C), located in coding exon 25 of the RTEL1 gene, results from a G to C substitution at nucleotide position 2326. The glutamic acid at codon 776 is replaced by glutamine, an amino acid with highly similar properties. This amino acid position is conserved. In addition, this alteration is predicted to be tolerated by in silico analysis. Based on the available evidence, the clinical significance of this variant remains unclear.

Blueprint Genetics
Classification: Uncertain significance. Last evaluated: 2024-10-03. Review status: criteria provided, single submitter. Criteria: ACMG Guidelines, 2015. Collection method: clinical testing. Allele origin: germline.

Labcorp Genetics (formerly Invitae), Labcorp
Classification: Uncertain significance for Dyskeratosis congenita, autosomal recessive 5; Pulmonary fibrosis and/or bone marrow failure, Telomere-related, 3. Last evaluated: 2022-10-04. Review status: criteria provided, single submitter. Criteria: Invitae Variant Classification Sherloc (09022015). Collection method: clinical testing. Allele origin: germline.
Comment: This sequence change replaces glutamic acid, which is acidic and polar, with glutamine, which is neutral and polar, at codon 776 of the RTEL1 protein (p.Glu776Gln). This variant is not present in population databases (gnomAD no frequency). This variant has not been reported in the literature in individuals affected with RTEL1-related conditions. This variant is also known as c.2398G>C (p.Glu800Gln). ClinVar contains an entry for this variant (Variation ID: 1354552). Algorithms developed to predict the effect of missense changes on protein structure and function (SIFT, PolyPhen-2, Align-GVGD) all suggest that this variant is likely to be tolerated. In summary, the available evidence is currently insufficient to determine the role of this variant in disease. Therefore, it has been classified as a Variant of Uncertain Significance.